The following is an entry in ClinVar:

ClinVar aggregate classification (germline): Uncertain significance (1 of 4 stars; one submission).

gnomAD v4.1: 3 of 1,550,026 alleles (0.00019%); highest among the groups gnomAD compares: African/African-American, 0.0028%; no homozygotes.

Submission:

Ambry Genetics
Classification: Uncertain significance. Last evaluated: 2025-04-12. Review status: criteria provided, single submitter. Criteria: Ambry Variant Classification Scheme 2023. Collection method: clinical testing. Allele origin: germline.
Comment: The p.P982R variant (also known as c.2945C>G), located in coding exon 11 of the WNK2 gene, results from a C to G substitution at nucleotide position 2945. The proline at codon 982 is replaced by arginine, an amino acid with dissimilar properties. This amino acid position is conserved. In addition, this alteration is predicted to be tolerated by in silico analysis. Based on the available evidence, the clinical significance of this variant remains unclear.

NM_006648.4(WNK2):c.2945C>G (p.Pro982Arg)

Gene: WNK2 (WNK lysine deficient protein kinase 2; plus strand). Cytogenetic location: 9q22.31.
Variant type: single nucleotide variant.
Coding change: c.2945C>G on transcript NM_006648.4 (MANE Select); coding-DNA position 2945, C replaced by G.
Protein change: p.Pro982Arg; replaces proline 982 with arginine.
Molecular consequence: missense variant.
Genome position (GRCh38, 1-based): chr9:93,259,493, C>G. VCF-style: chr9-93259493-C-G. GRCh37 (hg19) VCF-style: chr9-96021775-C-G.
Other names: c.2945C>G, p.Pro982Arg (NM_001282394.3); short protein forms P982R.
Identifiers: ClinVar variation 3981869 (VCV003981869.1).